The following is an entry in ClinVar:

ClinVar aggregate classification (germline): Uncertain significance. Review status: criteria provided, multiple submitters, no conflicts (2 of 4 stars). 2 submissions from 2 submitters: Uncertain significance (2). Last evaluated 2025-04-01.

Conditions:
Inborn genetic diseases. Identifiers: MedGen C0950123, MeSH D030342.

gnomAD v4.1: 4 of 1,613,442 alleles (0.00025%); highest among the groups gnomAD compares: Non-Finnish European, 0.00034%; no homozygotes.

Submissions (2):

Ambry Genetics
Classification: Uncertain significance for Inborn genetic diseases. Last evaluated: 2025-04-01. Review status: criteria provided, single submitter. Criteria: Ambry Variant Classification Scheme 2023. Collection method: clinical testing. Allele origin: germline.
Comment: The p.G313R variant (also known as c.937G>C), located in coding exon 10 of the DDX41 gene, results from a G to C substitution at nucleotide position 937. The glycine at codon 313 is replaced by arginine, an amino acid with dissimilar properties. This variant was identified in an individual with blastic plasmacytoid dendritic cell neoplasm (Diness BR et al. Genes Chromosomes Cancer, 2018 Dec;57:670-674). This amino acid position is highly conserved in available vertebrate species. In addition, the in silico prediction for this alteration is inconclusive. Based on the available evidence, the clinical significance of this variant remains unclear.

Labcorp Genetics (formerly Invitae), Labcorp
Classification: Uncertain significance. Last evaluated: 2023-04-20. Review status: criteria provided, single submitter. Criteria: Invitae Variant Classification Sherloc (09022015). Collection method: clinical testing. Allele origin: germline.
Comment: In summary, the available evidence is currently insufficient to determine the role of this variant in disease. Therefore, it has been classified as a Variant of Uncertain Significance. An algorithm developed to predict the effect of missense changes on protein structure and function (PolyPhen-2) suggests that this variant is likely to be disruptive. This missense change has been observed in individual(s) with blastic plasmacytoid dendritic cell neoplasm (PMID: 30144193). This variant is present in population databases (rs780667117, gnomAD 0.0009%). This sequence change replaces glycine, which is neutral and non-polar, with arginine, which is basic and polar, at codon 313 of the DDX41 protein (p.Gly313Arg).

Literature cited by the submitters: PubMed 30144193 (cited by Ambry Genetics and Labcorp Genetics (formerly Invitae), Labcorp).

NM_016222.4(DDX41):c.937G>C (p.Gly313Arg)

Gene: DDX41 (DEAD-box helicase 41; minus strand). Cytogenetic location: 5q35.3.
Variant type: single nucleotide variant.
Coding change: c.937G>C on transcript NM_016222.4 (MANE Select); coding-DNA position 937, G replaced by C.
Protein change: p.Gly313Arg; replaces glycine 313 with arginine.
Molecular consequence: missense variant.
Genome position (GRCh38, 1-based): chr5:177,513,846, C>G on the plus strand (G>C on the coding strand, the complement: DDX41 is on the minus strand). VCF-style: chr5-177513846-C-G. GRCh37 (hg19) VCF-style: chr5-176940847-C-G.
Other names: c.559G>C, p.Gly187Arg (NM_001321732.2, NM_001321830.2); c.937G>C (NM_016222.2); short protein forms G187R, G313R.
Identifiers: ClinVar variation 2915415 (VCV002915415.4), dbSNP rs780667117, ClinGen allele CA3584942.